The following is an entry in ClinVar:

NM_006267.5(RANBP2):c.1023T>C (p.Asn341=)

Gene: RANBP2 (RAN binding protein 2; plus strand). Cytogenetic location: 2q13.
Variant type: single nucleotide variant.
Coding change: c.1023T>C on transcript NM_006267.5 (MANE Select); coding-DNA position 1023, T replaced by C.
Protein change: p.Asn341=; no amino-acid change (asparagine 341 retained).
Molecular consequence: synonymous variant.
Genome position (GRCh38, 1-based): chr2:108,746,758, T>C. VCF-style: chr2-108746758-T-C. GRCh37 (hg19) VCF-style: chr2-109363214-T-C.
Other names: c.1023T>C, p.Asn341= (NM_001415871.1, NM_001415873.1); c.1020T>C, p.Asn340= (NM_001415872.1).
Identifiers: ClinVar variation 2651245 (VCV002651245.24), dbSNP rs1696549643, ClinGen allele CA427908499.

ClinVar aggregate classification (germline): Likely benign (1 of 4 stars; one submission).

Allele frequency attached by ClinVar (database versions not stated): gnomAD exomes below 0.00001; TOPMed 0.00001.
gnomAD v4.1: 1 of 1,460,682 alleles (0.000068%); highest among the groups gnomAD compares: Non-Finnish European, 0.000092%; no homozygotes.

Submission:

CeGaT Center for Human Genetics Tuebingen
Classification: Likely benign. Last evaluated: 2023-08-01. Review status: criteria provided, single submitter. Criteria: CeGaT Center For Human Genetics Tuebingen Variant Classification Criteria Version 2. Collection method: clinical testing. Allele origin: germline. Affected: yes. Observed: 1 variant allele.
Comment: RANBP2: PM2:Supporting, BP4, BP7